The following is an entry in ClinVar:

NM_032122.5(DTNBP1):c.234C>T (p.Ser78=)

Gene: DTNBP1 (dystrobrevin binding protein 1; minus strand). Cytogenetic location: 6p22.3.
Variant type: single nucleotide variant.
Coding change: c.234C>T on transcript NM_032122.5 (MANE Select); coding-DNA position 234, C replaced by T.
Protein change: p.Ser78=; no amino-acid change (serine 78 retained).
Molecular consequence: synonymous variant. On other transcripts: 5 prime UTR variant (1), non-coding transcript variant (1).
Genome position (GRCh38, 1-based): chr6:15,627,464, G>A on the plus strand (C>T on the coding strand, the complement: DTNBP1 is on the minus strand). VCF-style: chr6-15627464-G-A. GRCh37 (hg19) VCF-style: chr6-15627695-G-A.
Other names: c.-10C>T (NM_001271667.2); c.183C>T, p.Ser61= (NM_001271668.2); c.129C>T, p.Ser43= (NM_001271669.2); c.234C>T, p.Ser78= (NM_183040.2).
Identifiers: ClinVar variation 716755 (VCV000716755.33), dbSNP rs190232960, ClinGen allele CA3644189.

ClinVar aggregate classification (germline): Benign/Likely benign. Review status: criteria provided, multiple submitters, no conflicts (2 of 4 stars). 3 submissions from 3 submitters: Benign (1); Likely benign (2). Last evaluated 2026-01-21.

Allele frequency attached by ClinVar (database versions not stated): 1000 Genomes Project 30x 0.00094; 1000 Genomes Project 0.00120; gnomAD 0.00176 and 0.00178; ExAC 0.00187; gnomAD exomes 0.00217; ESP Exome Variant Server 0.00008; TOPMed 0.00009.
gnomAD v4.1: 1,474 of 1,613,790 alleles (0.091%); highest among the groups gnomAD compares: Non-Finnish European, 0.0085%; 13 homozygotes.

Submissions (3):

Labcorp Genetics (formerly Invitae), Labcorp
Classification: Benign. Last evaluated: 2026-01-21. Review status: criteria provided, single submitter. Criteria: Invitae Variant Classification Sherloc (09022015). Collection method: clinical testing. Allele origin: germline.

Blueprint Genetics
Classification: Likely benign. Last evaluated: 2024-11-08. Review status: criteria provided, single submitter. Criteria: ACMG Guidelines, 2015. Collection method: clinical testing. Allele origin: germline.

CeGaT Center for Human Genetics Tuebingen
Classification: Likely benign. Last evaluated: 2023-01-01. Review status: criteria provided, single submitter. Criteria: CeGaT Center For Human Genetics Tuebingen Variant Classification Criteria Version 2. Collection method: clinical testing. Allele origin: germline. Affected: yes. Observed: 1 variant allele.
Comment: DTNBP1: BP4, BP7